The following is an entry in ClinVar:

NM_144670.6(A2ML1):c.2300G>C (p.Ser767Thr)

Gene: A2ML1 (alpha-2-macroglobulin like 1; plus strand). Cytogenetic location: 12p13.31.
Variant type: single nucleotide variant.
Coding change: c.2300G>C on transcript NM_144670.6 (MANE Select); coding-DNA position 2300, G replaced by C.
Protein change: p.Ser767Thr; replaces serine 767 with threonine.
Molecular consequence: missense variant.
Genome position (GRCh38, 1-based): chr12:8,851,849, G>C. VCF-style: chr12-8851849-G-C. GRCh37 (hg19) VCF-style: chr12-9004445-G-C.
Other names: c.827G>C, p.Ser276Thr (NM_001282424.3); short protein forms S767T, S276T.
Identifiers: ClinVar variation 280940 (VCV000280940.2), dbSNP rs886042052, ClinGen allele CA10603285.

ClinVar aggregate classification (germline): Uncertain significance (1 of 4 stars; one submission).

Submission:

GeneDx
Classification: Uncertain significance. Last evaluated: 2016-10-26. Review status: criteria provided, single submitter. Criteria: GeneDx Variant Classification (06012015). Collection method: clinical testing. Allele origin: germline. Affected: yes.
Comment: The S767T variant has not been published as a pathogenic variant, nor has it been reported as a benign variant to our knowledge. The variant was not observed in approximately 6,200 individuals of European and African American ancestry in the NHLBI Exome Sequencing Project, indicating it is not a common benign variant in these populations. However, S767T is a conservative amino acid substitution, which is not likely to impact secondary protein structure as these residues share similar properties. This substitution occurs at a position that is not conserved, and in silico analysis predicts this variant likely does not alter the protein structure/function. Therefore, based on the currently available information, it is unclear whether this variant is a pathogenic variant or a rare benign variant.